The following is an entry in ClinVar:

NM_005918.4(MDH2):c.508A>C (p.Thr170Pro)

Gene: MDH2 (malate dehydrogenase 2; plus strand). Cytogenetic location: 7q11.23.
Variant type: single nucleotide variant.
Coding change: c.508A>C on transcript NM_005918.4 (MANE Select); coding-DNA position 508, A replaced by C.
Protein change: p.Thr170Pro; replaces threonine 170 with proline.
Molecular consequence: missense variant. On other transcripts: intron variant (1).
Genome position (GRCh38, 1-based): chr7:76,060,451, A>C. VCF-style: chr7-76060451-A-C. GRCh37 (hg19) VCF-style: chr7-75689769-A-C.
Other names: c.187A>C, p.Thr63Pro (NM_001282404.2); c.429+2373A>C (NM_001282403.2); short protein forms T63P, T170P.
Identifiers: ClinVar variation 1745255 (VCV001745255.2), dbSNP rs1797914252, ClinGen allele CA367765021.

ClinVar aggregate classification (germline): Uncertain significance (1 of 4 stars; one submission).

Conditions:
Inborn genetic diseases. Identifiers: MedGen C0950123, MeSH D030342.

Allele frequency attached by ClinVar (database versions not stated): gnomAD exomes below 0.00001; gnomAD 0.00001; TOPMed 0.00001.
gnomAD v4.1: 8 of 1,614,022 alleles (0.0005%); highest among the groups gnomAD compares: African/African-American, 0.0013%; no homozygotes.

Submission:

Ambry Genetics
Classification: Uncertain significance for Inborn genetic diseases. Last evaluated: 2023-09-17. Review status: criteria provided, single submitter. Criteria: Ambry Variant Classification Scheme 2023. Collection method: clinical testing. Allele origin: germline.
Comment: The p.T170P variant (also known as c.508A>C), located in coding exon 5 of the MDH2 gene, results from an A to C substitution at nucleotide position 508. The threonine at codon 170 is replaced by proline, an amino acid with highly similar properties. This amino acid position is conserved. In addition, this alteration is predicted to be deleterious by in silico analysis. Since supporting evidence is limited at this time, the clinical significance of this alteration remains unclear.